The following is an entry in ClinVar:

ClinVar aggregate classification (germline): Uncertain significance (1 of 4 stars; one submission).

Conditions:
Alstrom syndrome (ALMS). Identifiers: Orphanet 64, MedGen C0268425, MONDO:0008763, OMIM 203800.

gnomAD v4.1: 1 of 1,614,180 alleles (0.000062%); highest among the groups gnomAD compares: Non-Finnish European, 0.000085%; no homozygotes.

Submission:

Labcorp Genetics (formerly Invitae), Labcorp
Classification: Uncertain significance for Alstrom syndrome. Last evaluated: 2025-09-13. Review status: criteria provided, single submitter. Criteria: Invitae Variant Classification Sherloc (09022015). Collection method: clinical testing. Allele origin: germline.
Comment: This sequence change replaces arginine, which is basic and polar, with proline, which is neutral and non-polar, at codon 4003 of the ALMS1 protein (p.Arg4003Pro). This variant is not present in population databases (gnomAD no frequency). This variant has not been reported in the literature in individuals affected with ALMS1-related conditions. Experimental studies and prediction algorithms are not available or were not evaluated, and the functional significance of this variant is currently unknown. In summary, the available evidence is currently insufficient to determine the role of this variant in disease. Therefore, it has been classified as a Variant of Uncertain Significance.

NM_001378454.1(ALMS1):c.12005G>C (p.Arg4002Pro)

Genes: ALMS1 (ALMS1 centrosome and basal body associated protein; plus strand), LOC126806252 (BRD4-independent group 4 enhancer GRCh37_chr2:73828496-73829695; plus strand). Cytogenetic location: 2p13.1.
Variant type: single nucleotide variant.
Coding change: c.12005G>C on transcript NM_001378454.1 (MANE Select); coding-DNA position 12005, G replaced by C.
Protein change: p.Arg4002Pro; replaces arginine 4002 with proline.
Molecular consequence: missense variant.
Genome position (GRCh38, 1-based): chr2:73,601,327, G>C. VCF-style: chr2-73601327-G-C. GRCh37 (hg19) VCF-style: chr2-73828454-G-C.
Other names: c.12008G>C, p.Arg4003Pro (NM_015120.4); short protein forms R4003P, R4002P.
Identifiers: ClinVar variation 4762302 (VCV004762302.1).